The following is an entry in ClinVar:

ClinVar aggregate classification (germline): Uncertain significance (1 of 4 stars; one submission).

Allele frequency attached by ClinVar (database versions not stated): gnomAD exomes below 0.00001.
gnomAD v4.1: 4 of 1,613,984 alleles (0.00025%); highest among the groups gnomAD compares: Admixed American, 0.0067%; no homozygotes.

Submission:

Labcorp Genetics (formerly Invitae), Labcorp
Classification: Uncertain significance. Last evaluated: 2022-06-28. Review status: criteria provided, single submitter. Criteria: Invitae Variant Classification Sherloc (09022015). Collection method: clinical testing. Allele origin: germline.
Comment: This variant has not been reported in the literature in individuals affected with FZD4-related conditions. In summary, the available evidence is currently insufficient to determine the role of this variant in disease. Therefore, it has been classified as a Variant of Uncertain Significance. Algorithms developed to predict the effect of missense changes on protein structure and function are either unavailable or do not agree on the potential impact of this missense change (SIFT: "Deleterious"; PolyPhen-2: "Benign"; Align-GVGD: "Class C0"). This variant is present in population databases (no rsID available, gnomAD 0.01%). This sequence change replaces leucine, which is neutral and non-polar, with phenylalanine, which is neutral and non-polar, at codon 464 of the FZD4 protein (p.Leu464Phe).

NM_012193.4(FZD4):c.1390C>T (p.Leu464Phe)

Genes: FZD4 (frizzled class receptor 4; minus strand), PRSS23 (serine protease 23; plus strand). Cytogenetic location: 11q14.2.
Variant type: single nucleotide variant.
Coding change: c.1390C>T on transcript NM_012193.4 (MANE Select); coding-DNA position 1390, C replaced by T.
Protein change: p.Leu464Phe; replaces leucine 464 with phenylalanine.
Molecular consequence: missense variant. On other transcripts: non-coding transcript variant (2).
Genome position (GRCh38, 1-based): chr11:86,951,366, G>A on the plus strand (C>T on the coding strand, the complement: FZD4 is on the minus strand). VCF-style: chr11-86951366-G-A. GRCh37 (hg19) VCF-style: chr11-86662408-G-A.
Other names: short protein forms L464F.
Identifiers: ClinVar variation 2069331 (VCV002069331.4), dbSNP rs1378017266, ClinGen allele CA382011414.